The following is an entry in ClinVar:

NM_006846.4(SPINK5):c.1825C>T (p.Gln609Ter)

Gene: SPINK5 (serine peptidase inhibitor Kazal type 5; plus strand). Cytogenetic location: 5q32.
Variant type: single nucleotide variant.
Coding change: c.1825C>T on transcript NM_006846.4 (MANE Select); coding-DNA position 1825, C replaced by T.
Protein change: p.Gln609Ter; replaces glutamine 609 with a stop codon.
Molecular consequence: nonsense.
Genome position (GRCh38, 1-based): chr5:148,112,872, C>T. VCF-style: chr5-148112872-C-T. GRCh37 (hg19) VCF-style: chr5-147492435-C-T.
Other names: c.1825C>T, p.Gln609Ter (NM_001127698.2, NM_001127699.2); short protein forms Q609*.
Identifiers: ClinVar variation 843075 (VCV000843075.8), dbSNP rs1366194827, ClinGen allele CA361641552.
Genomic context (GRCh38, chr5:148,112,872, plus strand): 5'-AGGGTAGTATGTATTGGGTGCTAGGAATGATTGTTTTGTCCTCCCTTTTCTTATAGCCAG[C>T]AAGAAGCAAAAGAAAAAGAAAGAGCTGAACCCAGAGCAAAAGTCAAAAGAGAAGCTGAAA-3'

ClinVar aggregate classification (germline): Pathogenic (1 of 4 stars; one submission).

Conditions:
Ichthyosis linearis circumflexa. Identifiers: MedGen C0265962, MONDO:0043106, HP:0025810.

Submission:

Labcorp Genetics (formerly Invitae), Labcorp
Classification: Pathogenic for Ichthyosis linearis circumflexa. Last evaluated: 2024-10-24. Review status: criteria provided, single submitter. Criteria: Invitae Variant Classification Sherloc (09022015). Collection method: clinical testing. Allele origin: germline.
Comment: This sequence change creates a premature translational stop signal (p.Gln609*) in the SPINK5 gene. It is expected to result in an absent or disrupted protein product. Loss-of-function variants in SPINK5 are known to be pathogenic (PMID: 11511292, 11841556). This variant is not present in population databases (gnomAD no frequency). This variant has not been reported in the literature in individuals affected with SPINK5-related conditions. ClinVar contains an entry for this variant (Variation ID: 843075). For these reasons, this variant has been classified as Pathogenic.

Literature cited by the submitters: PubMed 11511292; PubMed 11841556.